The following is an entry in ClinVar:

NM_006231.4(POLE):c.1298G>A (p.Gly433Asp)

Gene: POLE (DNA polymerase epsilon, catalytic subunit; minus strand). Cytogenetic location: 12q24.33.
Variant type: single nucleotide variant.
Coding change: c.1298G>A on transcript NM_006231.4 (MANE Select); coding-DNA position 1298, G replaced by A.
Protein change: p.Gly433Asp; replaces glycine 433 with aspartic acid.
Molecular consequence: missense variant.
Genome position (GRCh38, 1-based): chr12:132,673,636, C>T on the plus strand (G>A on the coding strand, the complement: POLE is on the minus strand). VCF-style: chr12-132673636-C-T. GRCh37 (hg19) VCF-style: chr12-133250222-C-T.
Other names: c.1298G>A (NM_006231.2); short protein forms G433D.
Identifiers: ClinVar variation 473448 (VCV000473448.10), dbSNP rs1465684132, ClinGen allele CA387359416.

ClinVar aggregate classification (germline): Uncertain significance. Review status: criteria provided, multiple submitters, no conflicts (2 of 4 stars). 2 submissions from 2 submitters: Uncertain significance (2). Last evaluated 2025-09-22.

Conditions:
Hereditary cancer-predisposing syndrome. Also called: Neoplastic Syndromes, Hereditary; Tumor predisposition; Hereditary Cancer Syndrome; Hereditary neoplastic syndrome. Identifiers: Orphanet 140162, MedGen C0027672, MeSH D009386, MONDO:0015356.

Allele frequency attached by ClinVar (database versions not stated): gnomAD exomes below 0.00001.
gnomAD v4.1: 1 of 1,614,048 alleles (0.000062%); highest among the groups gnomAD compares: East Asian, 0.0022%; no homozygotes.

Submissions (2):

Labcorp Genetics (formerly Invitae), Labcorp
Classification: Uncertain significance. Last evaluated: 2025-09-22. Review status: criteria provided, single submitter. Criteria: Invitae Variant Classification Sherloc (09022015). Collection method: clinical testing. Allele origin: germline.
Comment: This sequence change replaces glycine, which is neutral and non-polar, with aspartic acid, which is acidic and polar, at codon 433 of the POLE protein (p.Gly433Asp). This variant is present in population databases (no rsID available, gnomAD 0.006%). This missense change has been observed in individual(s) with colorectal cancer (PMID: 31769227). ClinVar contains an entry for this variant (Variation ID: 473448). Invitae Evidence Modeling of protein sequence and biophysical properties (such as structural, functional, and spatial information, amino acid conservation, physicochemical variation, residue mobility, and thermodynamic stability) indicates that this missense variant is not expected to disrupt POLE protein function with a negative predictive value of 80%. In summary, the available evidence is currently insufficient to determine the role of this variant in disease. Therefore, it has been classified as a Variant of Uncertain Significance.

Ambry Genetics
Classification: Uncertain significance for Hereditary cancer-predisposing syndrome. Last evaluated: 2024-05-17. Review status: criteria provided, single submitter. Criteria: Ambry Variant Classification Scheme 2023. Collection method: clinical testing. Allele origin: germline.
Comment: The p.G433D variant (also known as c.1298G>A), located in coding exon 13 of the POLE gene, results from a G to A substitution at nucleotide position 1298. The glycine at codon 433 is replaced by aspartic acid, an amino acid with similar properties. This variant was reported in at least one individual with colorectal cancer (Chang SC et al. Cancer Med, 2020 Jan;9:476-486; Mur P et al. Genome Med, 2023 Oct;15:85). This amino acid position is highly conserved in available vertebrate species. In addition, the in silico prediction for this alteration is inconclusive. Based on the available evidence, the clinical significance of this variant remains unclear.

Literature cited by the submitters: PubMed 31769227 (cited by Labcorp Genetics (formerly Invitae), Labcorp and Ambry Genetics); PubMed 37848928 (cited by Ambry Genetics).